The following is an entry in ClinVar:

ClinVar aggregate classification (germline): Pathogenic. Review status: criteria provided, multiple submitters, no conflicts (2 of 4 stars). 2 submissions from 2 submitters: Pathogenic (2). Last evaluated 2025-07-15.

Conditions:
Cardiovascular phenotype. Identifiers: MedGen CN230736.
Catecholaminergic polymorphic ventricular tachycardia 1. Also called: VENTRICULAR TACHYCARDIA, CATECHOLAMINERGIC POLYMORPHIC, 1, WITH OR WITHOUT ATRIAL DYSFUNCTION AND/OR DILATED CARDIOMYOPATHY; RYR2-Related Catecholaminergic Polymorphic Ventricular Tachycardia; VENTRICULAR TACHYCARDIA, STRESS-INDUCED POLYMORPHIC 1. Identifiers: Orphanet 3286, MedGen C1631597, MONDO:0011484, OMIM 604772.

Allele frequency attached by ClinVar (database versions not stated): gnomAD exomes below 0.00001; ExAC 0.00002; gnomAD 0.00002; TOPMed 0.00003; 1000 Genomes Project 30x 0.00016; 1000 Genomes Project 0.00020.
gnomAD v4.1: 8 of 1,612,068 alleles (0.0005%); highest among the groups gnomAD compares: African/African-American, 0.011%; no homozygotes.

Submissions (2):

Labcorp Genetics (formerly Invitae), Labcorp
Classification: Pathogenic for Catecholaminergic polymorphic ventricular tachycardia 1. Last evaluated: 2025-07-15. Review status: criteria provided, single submitter. Criteria: Invitae Variant Classification Sherloc (09022015). Collection method: clinical testing. Allele origin: germline.
Comment: This sequence change creates a premature translational stop signal (p.Trp343*) in the CASQ2 gene. While this is not anticipated to result in nonsense mediated decay, it is expected to disrupt the last 57 amino acid(s) of the CASQ2 protein. This variant is present in population databases (rs529562535, gnomAD 0.02%). This variant has not been reported in the literature in individuals affected with CASQ2-related conditions. ClinVar contains an entry for this variant (Variation ID: 2565185). This variant disrupts a region of the CASQ2 protein in which other variant(s) (p.Leu366Pro) have been determined to be pathogenic (PMID: 32693635). This suggests that this is a clinically significant region of the protein, and that variants that disrupt it are likely to be disease-causing. For these reasons, this variant has been classified as Pathogenic.

Ambry Genetics
Classification: Pathogenic for Cardiovascular phenotype. Last evaluated: 2023-05-09. Review status: criteria provided, single submitter. Criteria: Ambry Variant Classification Scheme 2023. Collection method: clinical testing. Allele origin: germline.
Comment: The p.W343* pathogenic mutation (also known as c.1028G>A), located in coding exon 11 of the CASQ2 gene, results from a G to A substitution at nucleotide position 1028. This changes the amino acid from a tryptophan to a stop codon within coding exon 11. This alteration occurs at the 3' terminus of theCASQ2 gene, is not expected to trigger nonsense-mediated mRNA decay, and impacts the last 57 amino acids (14.3%) of the protein. However, premature stop codons are typically deleterious in nature, a significant portion of the protein is affected, and the impacted region is critical for protein function (Ambry internal data). Based on the supporting evidence, this alteration is interpreted as a disease-causing mutation.

Literature cited by the submitters: PubMed 32693635 (cited by Labcorp Genetics (formerly Invitae), Labcorp).

NM_001232.4(CASQ2):c.1028G>A (p.Trp343Ter)

Gene: CASQ2 (calsequestrin 2; minus strand). Cytogenetic location: 1p13.1.
Variant type: single nucleotide variant.
Coding change: c.1028G>A on transcript NM_001232.4 (MANE Select); coding-DNA position 1028, G replaced by A.
Protein change: p.Trp343Ter; replaces tryptophan 343 with a stop codon.
Molecular consequence: nonsense.
Genome position (GRCh38, 1-based): chr1:115,701,413, C>T on the plus strand (G>A on the coding strand, the complement: CASQ2 is on the minus strand). VCF-style: chr1-115701413-C-T. GRCh37 (hg19) VCF-style: chr1-116244034-C-T.
Other names: short protein forms W343*.
Identifiers: ClinVar variation 2565185 (VCV002565185.5), dbSNP rs529562535, ClinGen allele CA1023630.